The following is an entry in ClinVar:

ClinVar aggregate classification (germline): Pathogenic/Likely pathogenic. Review status: criteria provided, multiple submitters, no conflicts (2 of 4 stars). 9 submissions from 9 submitters: Pathogenic (5); Likely pathogenic (2). 2 of the submissions do not count toward it. Last evaluated 2025-01-15.

Conditions:
Mitochondrial disease. Also called: Mitochondrial disorders; Mitochondrial disorder. Identifiers: Orphanet 68380, MedGen C0751651, MeSH D028361, MONDO:0044970.
Inborn genetic diseases. Identifiers: MedGen C0950123, MeSH D030342.
Leukoencephalopathy with brain stem and spinal cord involvement-high lactate syndrome (LBSL). Also called: LEUKOENCEPHALOPATHY WITH BRAINSTEM AND SPINAL CORD INVOLVEMENT AND LACTATE ELEVATION, MILD; Leukoencephalopathy with Brainstem and Spinal Cord Involvement and Lactate Elevation; MITOCHONDRIAL ASPARTYL-tRNA SYNTHETASE DEFICIENCY. Identifiers: Orphanet 137898, MedGen C1970180, MONDO:0012622, OMIM 611105.

Allele frequency attached by ClinVar (database versions not stated): ExAC 0.00001; gnomAD 0.00003; ESP Exome Variant Server 0.00008; gnomAD exomes 0.00003; TOPMed 0.00004.
gnomAD v4.1: 95 of 1,609,978 alleles (0.0059%); highest among the groups gnomAD compares: Non-Finnish European, 0.0077%; no homozygotes.

Submissions (9):

Broad Center for Mendelian Genomics, Broad Institute of MIT and Harvard
Classification: Likely pathogenic for Leukoencephalopathy with brain stem and spinal cord involvement-high lactate syndrome. Last evaluated: 2025-01-15. Review status: criteria provided, single submitter. Criteria: ACMG Guidelines, 2015. Collection method: curation. Allele origin: germline. Inheritance: Autosomal recessive inheritance.
Comment: The p.Arg58Gly variant in DARS2 has been reported in 5 individuals with leukoencephalopathy with brain stem and spinal cord involvement-high lactate syndrome (PMID: 24566671, 26327357, 33977142), and has been identified in 0.008% (91/1179334) of European (non-Finnish) chromosomes by the Genome Aggregation Database (gnomAD; dbSNP rs375700548). Although this variant has been seen in the general population in a heterozygous state, its frequency is low enough to be consistent with a recessive carrier frequency. This variant has also been reported in ClinVar (Variation ID: 1188834) and has been interpreted as Pathogenic by Victorian Clinical Genetics Services (Murdoch Children's Research Institute), Invitae, Baylor Genetics, and Gene Discovery Core-Manton Center (Boston Children's Hospital). Of the 4 affected individuals, 2 were compound heterozygotes that carried a reported pathogenic variant in trans, which increases the likelihood that the p.Arg58Gly variant is pathogenic (Variation ID 1062; PMID: 33977142). In vitro functional studies provide some evidence that the p.Arg58Gly variant may impact protein function (PMID: 23216004, 24566671). However, these types of assays may not accurately represent biological function. Computational prediction tools and conservation analyses do not provide strong support for or against an impact to the protein. In summary, although additional studies are required to fully establish its clinical significance, this variant is likely pathogenic for autosomal recessive leukoencephalopathy with brain stem and spinal cord involvement-high lactate syndrome. ACMG/AMP Criteria applied: PM3_strong, PS3_moderate, PM2_supporting (Richards 2015).

GeneDx
Classification: Likely pathogenic. Last evaluated: 2024-12-20. Review status: criteria provided, single submitter. Criteria: GeneDx Variant Classification Process June 2021. Collection method: clinical testing. Allele origin: germline.
Comment: Although in-vitro expression of this variant did not find a significant decrease in aminoacylation activity, this variant was found to reduce dimerization of R58G-R58G homodimers and heterodimers with a second missense variant; additionally, mitochondrial aspartyl-tRNA synthetase activity was found to be reduced in lymphoblasts of a patient harboring p.(R58G) (PMID: 23216004, 24566671); In silico analysis supports that this missense variant has a deleterious effect on protein structure/function; Not observed at significant frequency in large population cohorts (gnomAD); This variant is associated with the following publications: (PMID: 28534666, 26620921, 30006346, 26327357, 24566671, 29915382, 33977142, 37563224, 33574740, 23216004, 23824528)

Ambry Genetics
Classification: Pathogenic for Inborn genetic diseases. Last evaluated: 2024-12-17. Review status: criteria provided, single submitter. Criteria: Ambry Variant Classification Scheme 2023. Collection method: clinical testing. Allele origin: germline.
Comment: The c.172C>G (p.R58G) alteration is located in exon 2 (coding exon 2) of the DARS2 gene. This alteration results from a C to G substitution at nucleotide position 172, causing the arginine (R) at amino acid position 58 to be replaced by a glycine (G). Based on data from gnomAD, the G allele has an overall frequency of 0.003% (7/251438) total alleles studied. The highest observed frequency was 0.006% (7/113742) of European (non-Finnish) alleles. This variant has been identified in the homozygous state and/or in conjunction with other DARS2 variant(s) in individual(s) with features consistent with mitochondrial aspartyl-tRNA synthetase deficiency; in at least one instance, the variants were identified in trans (van Berge, 2013; K&ouml;hler, 2015; Stellingwerff, 2021; External communication, 2024). This amino acid position is not well conserved in available vertebrate species. Functional studies suggest no effect on protein expression, enzyme activity, or localization; however, the variant was shown to reduce dimerization with a second missense variant (van Berge, 2014). The in silico prediction for this alteration is inconclusive. Based on the available evidence, this alteration is classified as pathogenic.

Labcorp Genetics (formerly Invitae), Labcorp
Classification: Pathogenic. Last evaluated: 2024-10-19. Review status: criteria provided, single submitter. Criteria: Invitae Variant Classification Sherloc (09022015). Collection method: clinical testing. Allele origin: germline.
Comment: This sequence change replaces arginine, which is basic and polar, with glycine, which is neutral and non-polar, at codon 58 of the DARS2 protein (p.Arg58Gly). This variant is present in population databases (rs375700548, gnomAD 0.007%). This missense change has been observed in individual(s) with leukoencephalopathy with brain stem and spinal cord involvement and lactate elevation (PMID: 24566671, 26327357, 33977142). In at least one individual the data is consistent with being in trans (on the opposite chromosome) from a pathogenic variant. ClinVar contains an entry for this variant (Variation ID: 1188834). Invitae Evidence Modeling of protein sequence and biophysical properties (such as structural, functional, and spatial information, amino acid conservation, physicochemical variation, residue mobility, and thermodynamic stability) indicates that this missense variant is expected to disrupt DARS2 protein function with a positive predictive value of 80%. Experimental studies have shown that this missense change affects DARS2 function (PMID: 23216004). This variant disrupts the p.Arg58 amino acid residue in DARS2. Other variant(s) that disrupt this residue have been determined to be pathogenic (internal data). This suggests that this residue is clinically significant, and that variants that disrupt this residue are likely to be disease-causing. For these reasons, this variant has been classified as Pathogenic.

Genome-Nilou Lab
Classification: Pathogenic for Leukoencephalopathy with brain stem and spinal cord involvement-high lactate syndrome. Last evaluated: 2023-04-11. Review status: criteria provided, single submitter. Criteria: ACMG Guidelines, 2015. Collection method: clinical testing. Allele origin: germline. Affected: no.

Victorian Clinical Genetics Services, Murdoch Childrens Research Institute
Classification: Pathogenic for Leukoencephalopathy with brain stem and spinal cord involvement-high lactate syndrome. Last evaluated: 2022-09-02. Review status: criteria provided, single submitter. Criteria: ACMG Guidelines, 2015. Collection method: clinical testing. Allele origin: germline. Inheritance: Autosomal recessive inheritance. Affected: yes.
Comment: Based on the classification scheme VCGS_Germline_v1.3.4, this variant is classified as Pathogenic. Following criteria are met: 0102 - Loss of function is a known mechanism of disease in this gene and is associated with Leukoencephalopathy with brain stem and spinal cord involvement and lactate elevation (LBSL, MIM#611105). (I) 0106 - This gene is associated with autosomal recessive disease. (I) 0200 - Variant is predicted to result in a missense amino acid change from arginine to glycine. (I) 0251 - This variant is heterozygous. (I) 0304 - Variant is present in gnomAD <0.01 for a recessive condition (v2: 7 heterozygotes, 0 homozygotes). (SP) 0309 - An alternative amino acid change at the same position has been observed in gnomAD (v2: 4 heterozygotes, 0 homozygotes). (I) 0502 - Missense variant with conflicting in silico predictions and uninformative conservation. (I) 0600 - Variant is located in the annotated anti-codon binding domain (PMID:26620921, PMID: 30006346). (I) 0705 - No comparable missense variants have previous evidence for pathogenicity. (I) 0801 - This variant has strong previous evidence of pathogenicity in unrelated individuals. This variant has been reported in multiple individuals with LBSL (PMID:24566671, PMID:26327357, PMID:33977142). (SP) 0905 - No published segregation evidence has been identified for this variant. (I) 1102 - Strong phenotype match for this individual. (SP) 1201 - Heterozygous variant detected in trans with a second pathogenic heterozygous variant (c.771-270_1128+1410del) in a recessive disease. (I) Legend: (SP) - Supporting pathogenic, (I) - Information, (SB) - Supporting benign

Baylor Genetics
Classification: Pathogenic for Leukoencephalopathy with brain stem and spinal cord involvement-high lactate syndrome. Last evaluated: 2022-04-15. Review status: criteria provided, single submitter. Criteria: ACMG Guidelines, 2015. Collection method: clinical testing. Allele origin: unknown.

Gene Discovery Core-Manton Center, Boston Children's Hospital
Classification: Likely pathogenic for Leukoencephalopathy with brain stem and spinal cord involvement-high lactate syndrome. Last evaluated: 2020-02-14. Review status: no assertion criteria provided. Collection method: research. Allele origin: germline. Affected: yes. Not counted in ClinVar's aggregate classification.
Comment: This variant is interpretted as Likely Pathogenic for observed Leukoencephalopathy, brain & spine involvement, lactate elevation; Austomal Recessive. PM2 - Absent from controls (or at extremely low frequency if recessive) in Exome Sequencing Project, 1000 Genomes Project, or Exome Aggregation Consortium. PM3 - For recessive disorders, detected in trans with a pathogenic variant. PP2 - Missense variant in a gene that has a low rate of benign missense variation and in which missense variants are a common mechanism of disease. PP5 - Reputable source recently reports variant as pathogenic, but the evidence is not available to the laboratory to perform an independent evaluation (PMID: 23216004, PMID: 26327357)

Department of Pathology and Laboratory Medicine, Sinai Health System
Classification: Uncertain significance for mitochondrial disease. Last evaluated: 2022-09-15. Review status: flagged submission. Criteria: ACMG Guidelines, 2015. Collection method: research. Allele origin: germline. Not counted in ClinVar's aggregate classification.
ClinVar note: Reason: Outlier claim with insufficient supporting evidence

Literature cited by the submitters: PubMed 24566671 (cited by 4 submitters); PubMed 23216004 (cited by 3 submitters); PubMed 26327357 (cited by 3 submitters); PubMed 33977142 (cited by 3 submitters); PubMed 26620921 (cited by Victorian Clinical Genetics Services, Murdoch Childrens Research Institute); PubMed 30006346 (cited by Victorian Clinical Genetics Services, Murdoch Childrens Research Institute).

NM_018122.5(DARS2):c.172C>G (p.Arg58Gly)

Gene: DARS2 (aspartyl-tRNA synthetase 2, mitochondrial; plus strand). Cytogenetic location: 1q25.1.
Variant type: single nucleotide variant.
Coding change: c.172C>G on transcript NM_018122.5 (MANE Select); coding-DNA position 172, C replaced by G.
Protein change: p.Arg58Gly; replaces arginine 58 with glycine.
Molecular consequence: missense variant.
Genome position (GRCh38, 1-based): chr1:173,826,731, C>G. VCF-style: chr1-173826731-C-G. GRCh37 (hg19) VCF-style: chr1-173795869-C-G.
Other names: NM_018122.5(DARS2):c.172C>G; p.Arg58Gly; c.172C>G (NM_018122.4); c.172C>G, p.Arg58Gly (NM_001365212.1, NM_001365213.2); short protein forms R58G.
Identifiers: ClinVar variation 1188834 (VCV001188834.15), dbSNP rs375700548, ClinGen allele CA1250017.